The following is an entry in ClinVar:

NM_001278116.2(L1CAM):c.1806T>G (p.Ser602Arg)

Gene: L1CAM (L1 cell adhesion molecule; minus strand). Cytogenetic location: Xq28.
Variant type: single nucleotide variant.
Coding change: c.1806T>G on transcript NM_001278116.2 (MANE Select); coding-DNA position 1806, T replaced by G.
Protein change: p.Ser602Arg; replaces serine 602 with arginine.
Molecular consequence: missense variant.
Genome position (GRCh38, 1-based): chrX:153,868,020, A>C on the plus strand (T>G on the coding strand, the complement: L1CAM is on the minus strand). VCF-style: chrX-153868020-A-C. GRCh37 (hg19) VCF-style: chrX-153133475-A-C.
Other names: c.1806T>G, p.Ser602Arg (NM_000425.5, NM_024003.3); c.1791T>G, p.Ser597Arg (NM_001143963.2); short protein forms S597R, S602R.
Identifiers: ClinVar variation 2634536 (VCV002634536.1), dbSNP rs2520996621, ClinGen allele CA415123324.

ClinVar aggregate classification (germline): Uncertain significance (1 of 4 stars; one submission).

Conditions:
L1CAM-related disorder. Also called: L1CAM-related condition.

Submission:

PreventionGenetics, part of Exact Sciences
Classification: Uncertain significance for L1CAM-related condition. Last evaluated: 2023-03-15. Review status: criteria provided, single submitter. Criteria: ACMG Guidelines, 2015. Collection method: clinical testing. Allele origin: germline.
Comment: The L1CAM c.1806T>G variant is predicted to result in the amino acid substitution p.Ser602Arg. To our knowledge, this variant has not been reported in the literature or in a large population database, indicating this variant is rare. At this time, the clinical significance of this variant is uncertain due to the absence of conclusive functional and genetic evidence.